The following is an entry in ClinVar:

NM_032444.4(SLX4):c.230A>G (p.Gln77Arg)

Gene: SLX4 (SLX4 structure-specific endonuclease subunit; minus strand). Cytogenetic location: 16p13.3.
Variant type: single nucleotide variant.
Coding change: c.230A>G on transcript NM_032444.4 (MANE Select); coding-DNA position 230, A replaced by G.
Protein change: p.Gln77Arg; replaces glutamine 77 with arginine.
Molecular consequence: missense variant.
Genome position (GRCh38, 1-based): chr16:3,608,735, T>C on the plus strand (A>G on the coding strand, the complement: SLX4 is on the minus strand). VCF-style: chr16-3608735-T-C. GRCh37 (hg19) VCF-style: chr16-3658736-T-C.
Other names: short protein forms Q77R.
Identifiers: ClinVar variation 2911612 (VCV002911612.4), dbSNP rs147458405, ClinGen allele CA7866924.

ClinVar aggregate classification (germline): Uncertain significance. Review status: criteria provided, multiple submitters, no conflicts (2 of 4 stars). 2 submissions from 2 submitters: Uncertain significance (2). Last evaluated 2025-04-30.

Conditions:
Fanconi anemia (FA). Also called: Fanconi's anemia. Identifiers: Orphanet 84, MedGen C0015625, MeSH D005199, MONDO:0019391.

Allele frequency attached by ClinVar (database versions not stated): gnomAD exomes below 0.00001; ExAC 0.00001; gnomAD 0.00001; TOPMed 0.00002; ESP Exome Variant Server 0.00008.
gnomAD v4.1: 2 of 1,614,120 alleles (0.00012%); highest among the groups gnomAD compares: African/African-American, 0.0027%; no homozygotes.

Submissions (2):

GeneDx
Classification: Uncertain significance. Last evaluated: 2025-04-30. Review status: criteria provided, single submitter. Criteria: GeneDx Variant Classification Process June 2021. Collection method: clinical testing. Allele origin: germline. Affected: yes.
Comment: Not observed at significant frequency in large population cohorts (gnomAD); In silico analysis indicates that this missense variant does not alter protein structure/function; Has not been previously published as pathogenic or benign to our knowledge

Labcorp Genetics (formerly Invitae), Labcorp
Classification: Uncertain significance for Fanconi anemia. Last evaluated: 2024-01-24. Review status: criteria provided, single submitter. Criteria: Invitae Variant Classification Sherloc (09022015). Collection method: clinical testing. Allele origin: germline.
Comment: This sequence change replaces glutamine, which is neutral and polar, with arginine, which is basic and polar, at codon 77 of the SLX4 protein (p.Gln77Arg). This variant is present in population databases (rs147458405, gnomAD 0.007%). This variant has not been reported in the literature in individuals affected with SLX4-related conditions. Algorithms developed to predict the effect of missense changes on protein structure and function output the following: SIFT: "Not Available"; PolyPhen-2: "Benign"; Align-GVGD: "Not Available". The arginine amino acid residue is found in multiple mammalian species, which suggests that this missense change does not adversely affect protein function. In summary, the available evidence is currently insufficient to determine the role of this variant in disease. Therefore, it has been classified as a Variant of Uncertain Significance.